The following is an entry in ClinVar:

NM_052844.4(DYNC2I2):c.1118G>T (p.Arg373Leu)

Genes: DYNC2I2 (dynein 2 intermediate chain 2; minus strand), LOC126860772 (CDK7 strongly-dependent group 2 enhancer GRCh37_chr9:131396972-131398171; plus strand). Cytogenetic location: 9q34.11.
Variant type: single nucleotide variant.
Coding change: c.1118G>T on transcript NM_052844.4 (MANE Select); coding-DNA position 1118, G replaced by T.
Protein change: p.Arg373Leu; replaces arginine 373 with leucine.
Molecular consequence: missense variant.
Genome position (GRCh38, 1-based): chr9:128,634,785, C>A on the plus strand (G>T on the coding strand, the complement: DYNC2I2 is on the minus strand). VCF-style: chr9-128634785-C-A. GRCh37 (hg19) VCF-style: chr9-131397064-C-A.
Other names: c.1118G>T (NM_052844.3); short protein forms R373L.
Identifiers: ClinVar variation 1681201 (VCV001681201.5), dbSNP rs201326058, ClinGen allele CA5266336.

ClinVar aggregate classification (germline): Uncertain significance. Review status: criteria provided, multiple submitters, no conflicts (2 of 4 stars). 2 submissions from 2 submitters: Uncertain significance (2). Last evaluated 2024-09-25.

Conditions:
Short-rib thoracic dysplasia 11 with or without polydactyly (SRTD11). Also called: SHORT-RIB THORACIC DYSPLASIA 11 WITHOUT POLYDACTYLY. Identifiers: Orphanet 474, Orphanet 93271, MedGen C3810200, MONDO:0014287, OMIM 615633.
Inborn genetic diseases. Identifiers: MedGen C0950123, MeSH D030342.

Allele frequency attached by ClinVar (database versions not stated): ESP Exome Variant Server 0.00031.
gnomAD v4.1: 572 of 1,610,658 alleles (0.036%); highest among the groups gnomAD compares: Non-Finnish European, 0.046%; no homozygotes.

Submissions (2):

Ambry Genetics
Classification: Uncertain significance for Inborn genetic diseases. Last evaluated: 2024-09-25. Review status: criteria provided, single submitter. Criteria: Ambry Variant Classification Scheme 2023. Collection method: clinical testing. Allele origin: germline.

Labcorp Genetics (formerly Invitae), Labcorp
Classification: Uncertain significance for Short-rib thoracic dysplasia 11 with or without polydactyly. Last evaluated: 2022-08-29. Review status: criteria provided, single submitter. Criteria: Invitae Variant Classification Sherloc (09022015). Collection method: clinical testing. Allele origin: germline.
Comment: This sequence change replaces arginine, which is basic and polar, with leucine, which is neutral and non-polar, at codon 373 of the WDR34 protein (p.Arg373Leu). This variant is present in population databases (rs201326058, gnomAD 0.03%). This variant has not been reported in the literature in individuals affected with WDR34-related conditions. ClinVar contains an entry for this variant (Variation ID: 1681201). Algorithms developed to predict the effect of missense changes on protein structure and function are either unavailable or do not agree on the potential impact of this missense change (SIFT: "Deleterious"; PolyPhen-2: "Benign"; Align-GVGD: "Class C0"). In summary, the available evidence is currently insufficient to determine the role of this variant in disease. Therefore, it has been classified as a Variant of Uncertain Significance.